The following is an entry in ClinVar:

NM_022166.4(XYLT1):c.1764+4A>G

Genes: XYLT1 (xylosyltransferase 1; minus strand), LOC102723692 (uncharacterized LOC102723692; plus strand). Cytogenetic location: 16p12.3.
Variant type: single nucleotide variant.
Coding change: c.1764+4A>G on transcript NM_022166.4 (MANE Select); 4 bases into the intron after coding-DNA position 1764, A replaced by G.
Molecular consequence: intron variant. On other transcripts: non-coding transcript variant (1).
Genome position (GRCh38, 1-based): chr16:17,138,351, T>C on the plus strand (A>G on the coding strand, the complement: XYLT1 is on the minus strand). VCF-style: chr16-17138351-T-C. GRCh37 (hg19) VCF-style: chr16-17232208-T-C.
Identifiers: ClinVar variation 1407697 (VCV001407697.6), dbSNP rs757836390, ClinGen allele CA7927797.

ClinVar aggregate classification (germline): Uncertain significance (1 of 4 stars; one submission).

Conditions:
Desbuquois dysplasia 1 (DBQD1). Also called: DESBUQUOIS DYSPLASIA 1, KIM VARIANT; MICROMELIC DWARFISM WITH VERTEBRAL AND METAPHYSEAL ABNORMALITIES AND ADVANCED CARPOTARSAL OSSIFICATION. Identifiers: Orphanet 1425, MedGen C4012146, MONDO:0009629, OMIM 251450.

Allele frequency attached by ClinVar (database versions not stated): gnomAD 0.00001; TOPMed 0.00001; gnomAD exomes 0.00003 and 0.00006; ExAC 0.00007.
gnomAD v4.1: 39 of 1,608,178 alleles (0.0024%); highest among the groups gnomAD compares: South Asian, 0.042%; 1 homozygote.

Submission:

Labcorp Genetics (formerly Invitae), Labcorp
Classification: Uncertain significance for Desbuquois dysplasia 1. Last evaluated: 2021-11-07. Review status: criteria provided, single submitter. Criteria: Invitae Variant Classification Sherloc (09022015). Collection method: clinical testing. Allele origin: germline.
Comment: In summary, the available evidence is currently insufficient to determine the role of this variant in disease. Therefore, it has been classified as a Variant of Uncertain Significance. Variants that disrupt the consensus splice site are a relatively common cause of aberrant splicing (PMID: 17576681, 9536098). Algorithms developed to predict the effect of sequence changes on RNA splicing suggest that this variant may disrupt the consensus splice site. This variant has not been reported in the literature in individuals affected with XYLT1-related conditions. This variant is present in population databases (rs757836390, gnomAD 0.05%). This sequence change falls in intron 8 of the XYLT1 gene. It does not directly change the encoded amino acid sequence of the XYLT1 protein. It affects a nucleotide within the consensus splice site.

Literature cited by the submitters: PubMed 17576681; PubMed 9536098.